The following is an entry in ClinVar:

NM_021614.4(KCNN2):c.2202C>T (p.His734=)

Genes: KCNN2 (potassium calcium-activated channel subfamily N member 2; plus strand), KCNN2-AS1 (KCNN2 antisense RNA 1; minus strand). Cytogenetic location: 5q22.3.
Variant type: single nucleotide variant.
Coding change: c.2202C>T on transcript NM_021614.4 (MANE Select); coding-DNA position 2202, C replaced by T.
Protein change: p.His734=; no amino-acid change (histidine 734 retained).
Molecular consequence: synonymous variant. On other transcripts: non-coding transcript variant (2).
Genome position (GRCh38, 1-based): chr5:114,496,008, C>T. VCF-style: chr5-114496008-C-T. GRCh37 (hg19) VCF-style: chr5-113831705-C-T.
Other names: c.2400C>T, p.His800= (NM_001372233.1); c.522C>T, p.His174= (NM_170775.3).
Identifiers: ClinVar variation 3025191 (VCV003025191.22), dbSNP rs370602863, ClinGen allele CA3373151.

ClinVar aggregate classification (germline): Likely benign (1 of 4 stars; one submission).

Allele frequency attached by ClinVar (database versions not stated): TOPMed 0.00002; ExAC 0.00003; gnomAD 0.00003; gnomAD exomes 0.00003; ESP Exome Variant Server 0.00008.
gnomAD v4.1: 45 of 1,613,958 alleles (0.0028%); highest among the groups gnomAD compares: Non-Finnish European, 0.0034%; no homozygotes.

Submission:

CeGaT Center for Human Genetics Tuebingen
Classification: Likely benign. Last evaluated: 2024-03-01. Review status: criteria provided, single submitter. Criteria: CeGaT Center For Human Genetics Tuebingen Variant Classification Criteria Version 2. Collection method: clinical testing. Allele origin: germline. Affected: yes. Observed: 1 variant allele.
Comment: KCNN2: BP4, BP7